The following is an entry in ClinVar:

NM_000038.6(APC):c.4397del (p.Gly1466fs)

Gene: APC (APC regulator of Wnt signaling pathway; plus strand). Cytogenetic location: 5q22.2.
Variant type: Deletion.
Coding change: c.4397del on transcript NM_000038.6 (MANE Select); coding-DNA position 4397, one base deleted (G; older notation c.4397delG).
Protein change: p.Gly1466fs; shifts the reading frame from glycine 1466.
Molecular consequence: frameshift variant.
Genome position (GRCh38, 1-based): chr5:112,839,991, G deleted; the last of 2 consecutive G bases (chr5:112,839,990-112,839,991); deleting either gives the same sequence. VCF-style (leftmost placement, unchanged base first): chr5-112839989-TG-T. GRCh37 (hg19) VCF-style: chr5-112175686-TG-T.
Other names: c.4397del, p.Gly1466fs (NM_001127510.3, NM_001354895.2); c.4343del, p.Gly1448fs (NM_001127511.3); c.4451del, p.Gly1484fs (NM_001354896.2); c.4427del, p.Gly1476fs (NM_001354897.2); c.4322del, p.Gly1441fs (NM_001354898.2); c.4313del, p.Gly1438fs (NM_001354899.2); c.4274del, p.Gly1425fs (NM_001354900.2); c.4220del, p.Gly1407fs (NM_001354901.2); and 5 more; short protein forms G1306fs, G1365fs, G1407fs, G1425fs, G1441fs, G1183fs, G1466fs, G1476fs.
Identifiers: ClinVar variation 642089 (VCV000642089.11), dbSNP rs1580647642, ClinGen allele CA915943491.
Genomic context (GRCh38, chr5:112,839,989, plus strand): 5'-AGCTCAAACCAAGCGAGAAGTACCTAAAAATAAAGCACCTACTGCTGAAAAGAGAGAGAG[TG>T]GACCTAAGCAAGCTGCAGTAAATGCTGCAGTTCAGAGGGTCCAGGTTCTTCCAGATGCTG-3'

ClinVar aggregate classification (germline): Pathogenic. Review status: criteria provided, multiple submitters, no conflicts (2 of 4 stars). 2 submissions from 2 submitters: Pathogenic (2). Last evaluated 2023-05-10.

Conditions:
Familial adenomatous polyposis 1 (FAP1). Also called: FAMILIAL ADENOMATOUS POLYPOSIS 1, ATTENUATED; POLYPOSIS, ADENOMATOUS INTESTINAL. Identifiers: MedGen C2713442, MONDO:0021056, OMIM 175100. Disease mechanism: loss of function.

Submissions (2):

Myriad Genetics, Inc.
Classification: Pathogenic for Familial adenomatous polyposis 1. Last evaluated: 2023-05-10. Review status: criteria provided, single submitter. Criteria: Myriad Autosomal Dominant, Autosomal Recessive and X-Linked Classification Criteria (2023). Collection method: clinical testing. Allele origin: unknown.
Comment: This variant is considered pathogenic. This variant creates a frameshift predicted to result in premature protein truncation.

Labcorp Genetics (formerly Invitae), Labcorp
Classification: Pathogenic for Familial adenomatous polyposis 1. Last evaluated: 2018-11-11. Review status: criteria provided, single submitter. Criteria: Invitae Variant Classification Sherloc (09022015). Collection method: clinical testing. Allele origin: germline.
Comment: This variant is not present in population databases (ExAC no frequency). For these reasons, this variant has been classified as Pathogenic. A different truncation (p.Tyr2645Lysfs*14) that lies downstream of this variant has been determined to be pathogenic (PMID: 9824584, 1316610, 27081525, 8381579, 22135120, Invitae). This suggests that deletion of this region of the APC protein is causative of disease. This variant is expected to disrupt the EB1 and HDLG binding sites, which mediate interactions with the cytoskeleton (PMID: 15311282, 17293347). While functional studies have not been performed to directly test the effect on APC protein function, this suggests that disruption of the C-terminal portion of the protein is functionally important. This variant has not been reported in the literature in individuals with APC-related disease. This sequence change results in a premature translational stop signal in the APC gene (p.Gly1466Aspfs*7). While this is not anticipated to result in nonsense mediated decay, it is expected to disrupt the last 1378 amino acids of the APC protein.

Literature cited by the submitters: PubMed 9824584 (cited by Labcorp Genetics (formerly Invitae), Labcorp); PubMed 1316610 (cited by Labcorp Genetics (formerly Invitae), Labcorp); PubMed 27081525 (cited by Labcorp Genetics (formerly Invitae), Labcorp); PubMed 8381579 (cited by Labcorp Genetics (formerly Invitae), Labcorp); PubMed 22135120 (cited by Labcorp Genetics (formerly Invitae), Labcorp); PubMed 15311282 (cited by Labcorp Genetics (formerly Invitae), Labcorp); PubMed 17293347 (cited by Labcorp Genetics (formerly Invitae), Labcorp).